The following is an entry in ClinVar:

ClinVar aggregate classification (germline): Uncertain significance. Review status: criteria provided, multiple submitters, no conflicts (2 of 4 stars). 3 submissions from 3 submitters: Uncertain significance (3). Last evaluated 2025-03-31.

Conditions:
Familial cold autoinflammatory syndrome 3 (FCAS3). Also called: FAMILIAL ATYPICAL COLD URTICARIA; ANTIBODY DEFICIENCY AND IMMUNE DYSREGULATION, PLCG2-ASSOCIATED. Identifiers: Orphanet 300359, MedGen C3280914, MONDO:0013766, OMIM 614468.
Autoinflammation-PLCG2-associated antibody deficiency-immune dysregulation. Also called: Autoinflammation, antibody deficiency, and immune dysregulation syndrome; Autoinflammation, antibody deficiency, and immune dysregulation, plcg2-associated; AUTOINFLAMMATION, ANTIBODY DEFICIENCY, AND IMMUNE DYSREGULATION. Identifiers: Orphanet 324530, MedGen C3553961, MONDO:0013944, OMIM 614878.
Inborn genetic diseases. Identifiers: MedGen C0950123, MeSH D030342.

Allele frequency attached by ClinVar (database versions not stated): gnomAD exomes below 0.00001; ExAC 0.00001; gnomAD 0.00001.
gnomAD v4.1: 3 of 1,604,036 alleles (0.00019%); highest among the groups gnomAD compares: Admixed American, 0.0017%; no homozygotes.

Submissions (3):

Ambry Genetics
Classification: Uncertain significance for Inborn genetic diseases. Last evaluated: 2025-03-31. Review status: criteria provided, single submitter. Criteria: Ambry Variant Classification Scheme 2023. Collection method: clinical testing. Allele origin: germline.

Fulgent Genetics
Classification: Uncertain significance for Familial cold autoinflammatory syndrome 3; Autoinflammation-PLCG2-associated antibody deficiency-immune dysregulation. Last evaluated: 2022-02-24. Review status: criteria provided, single submitter. Criteria: ACMG Guidelines, 2015. Collection method: clinical testing. Allele origin: unknown.

Labcorp Genetics (formerly Invitae), Labcorp
Classification: Uncertain significance for Familial cold autoinflammatory syndrome 3. Last evaluated: 2020-06-30. Review status: criteria provided, single submitter. Criteria: Invitae Variant Classification Sherloc (09022015). Collection method: clinical testing. Allele origin: germline.
Comment: In summary, the available evidence is currently insufficient to determine the role of this variant in disease. Therefore, it has been classified as a Variant of Uncertain Significance. Algorithms developed to predict the effect of missense changes on protein structure and function are either unavailable or do not agree on the potential impact of this missense change (SIFT: "Tolerated"; PolyPhen-2: "Probably Damaging"; Align-GVGD: "Class C0"). This variant has not been reported in the literature in individuals with PLCG2-related conditions. This variant is present in population databases (rs757316414, ExAC 0.01%). This sequence change replaces threonine with serine at codon 280 of the PLCG2 protein (p.Thr280Ser). The threonine residue is highly conserved and there is a small physicochemical difference between threonine and serine.

NM_002661.5(PLCG2):c.839C>G (p.Thr280Ser)

Gene: PLCG2 (phospholipase C gamma 2; plus strand). Cytogenetic location: 16q23.3.
Variant type: single nucleotide variant.
Coding change: c.839C>G on transcript NM_002661.5 (MANE Select); coding-DNA position 839, C replaced by G.
Protein change: p.Thr280Ser; replaces threonine 280 with serine.
Molecular consequence: missense variant.
Genome position (GRCh38, 1-based): chr16:81,889,245, C>G. VCF-style: chr16-81889245-C-G. GRCh37 (hg19) VCF-style: chr16-81922850-C-G.
Other names: c.839C>G (NM_002661.3); short protein forms T280S.
Identifiers: ClinVar variation 1002723 (VCV001002723.11), dbSNP rs757316414, ClinGen allele CA8193465.